The following is an entry in ClinVar:

NM_000606.3(C8G):c.210C>T (p.Ala70=)

Gene: C8G (complement C8 gamma chain; plus strand). Cytogenetic location: 9q34.3.
Variant type: single nucleotide variant.
Coding change: c.210C>T on transcript NM_000606.3 (MANE Select); coding-DNA position 210, C replaced by T.
Protein change: p.Ala70=; no amino-acid change (alanine 70 retained).
Molecular consequence: synonymous variant.
Genome position (GRCh38, 1-based): chr9:136,945,705, C>T. VCF-style: chr9-136945705-C-T. GRCh37 (hg19) VCF-style: chr9-139840157-C-T.
Identifiers: ClinVar variation 3031389 (VCV003031389.2), dbSNP rs756357904, ClinGen allele CA5351517.

ClinVar aggregate classification (germline): Likely benign (0 of 4 stars; one submission).

Conditions:
C8G-related disorder. Also called: C8G-related condition.

Allele frequency attached by ClinVar (database versions not stated): ExAC 0.00002; gnomAD 0.00004; TOPMed 0.00005.
gnomAD v4.1: 39 of 1,592,232 alleles (0.0024%); highest among the groups gnomAD compares: East Asian, 0.0045%; no homozygotes.

Submission:

PreventionGenetics, part of Exact Sciences
Classification: Likely benign for C8G-related condition. Last evaluated: 2021-06-26. Review status: no assertion criteria provided. Collection method: clinical testing. Allele origin: germline.
Comment: This variant is classified as likely benign based on ACMG/AMP sequence variant interpretation guidelines (Richards et al. 2015 PMID: 25741868, with internal and published modifications).